The following is an entry in ClinVar:

NM_003620.4(PPM1D):c.1741C>T (p.Arg581Ter)

Gene: PPM1D (protein phosphatase, Mg2+/Mn2+ dependent 1D; plus strand). Cytogenetic location: 17q23.2.
Variant type: single nucleotide variant.
Coding change: c.1741C>T on transcript NM_003620.4 (MANE Select); coding-DNA position 1741, C replaced by T.
Protein change: p.Arg581Ter; replaces arginine 581 with a stop codon.
Molecular consequence: nonsense.
Genome position (GRCh38, 1-based): chr17:60,663,475, C>T. VCF-style: chr17-60663475-C-T. GRCh37 (hg19) VCF-style: chr17-58740836-C-T.
Other names: short protein forms R581*.
Identifiers: ClinVar variation 1327196 (VCV001327196.3), dbSNP rs747668756, ClinGen allele CA292212748.
Genomic context (GRCh38, chr17:60,663,475, plus strand): 5'-GCTCAGCCTGCAAGTCTCCCCACAACCTCACAGCGAAAGAACTCTGTTAAACTCACCATG[C>T]GACGCAGACTTAGGGGCCAGAAGAAAATTGGAAATCCTTTACTTCATCAACACAGGAAAA-3'

ClinVar aggregate classification (germline): Uncertain significance (1 of 4 stars; one submission).

gnomAD v4.1: 18 of 1,613,816 alleles (0.0011%); highest among the groups gnomAD compares: African/African-American, 0.0013%; no homozygotes.

Submission:

GeneDx
Classification: Uncertain significance. Last evaluated: 2026-10-16. Review status: criteria provided, single submitter. Criteria: GeneDx Variant Classification Process June 2021. Collection method: clinical testing. Allele origin: germline.
Comment: Observed in patients with various congenital anomalies in published literature (PMID: 33084842, 38259611); Nonsense variant predicted to result in protein truncation as the last 25 amino acid(s) are lost; This variant is associated with the following publications: (PMID: 33084842, 38259611)